The following is an entry in ClinVar:

NM_147686.4(TRAF3IP2):c.107C>T (p.Ala36Val)

Genes: TRAF3IP2 (TRAF3 interacting protein 2; minus strand), TRAF3IP2-AS1 (TRAF3IP2 antisense RNA 1; plus strand). Cytogenetic location: 6q21.
Variant type: single nucleotide variant.
Coding change: c.107C>T on transcript NM_147686.4 (MANE Select); coding-DNA position 107, C replaced by T.
Protein change: p.Ala36Val; replaces alanine 36 with valine.
Molecular consequence: missense variant.
Genome position (GRCh38, 1-based): chr6:111,591,980, G>A on the plus strand (C>T on the coding strand, the complement: TRAF3IP2 is on the minus strand). VCF-style: chr6-111591980-G-A. GRCh37 (hg19) VCF-style: chr6-111913183-G-A.
Other names: c.107C>T, p.Ala36Val (NM_001164281.3); c.134C>T, p.Ala45Val (NM_147200.3); c.107C>T (NM_147686.2); short protein forms A36V, A45V.
Identifiers: ClinVar variation 1055936 (VCV001055936.7), dbSNP rs769663442, ClinGen allele CA3963380.
Genomic context (GRCh38, chr6:111,591,980, plus strand): 5'-GAATTGTGAAGCATTGTGGGTGCAGACAAGCTGTTGGGTGCCATGTTCCTTATATTTGGA[G>A]CAGGTGGTTCTGATTCCTCTTCCGGGGAATATTCTGGGATTGGTTTCAGCAACTGACTTG-3'
Protein context (NP_679211.2, residues 26-46): YSPEEESEPP[Ala36Val]PNIRNMAPNS

ClinVar aggregate classification (germline): Uncertain significance. Review status: criteria provided, multiple submitters, no conflicts (2 of 4 stars). 2 submissions from 2 submitters: Uncertain significance (2). Last evaluated 2025-05-16.

Conditions:
Candidiasis, familial, 8 (CANDF8). Identifiers: Orphanet 1334, MedGen C3714992, MONDO:0014230, OMIM 615527.

Allele frequency attached by ClinVar (database versions not stated): TOPMed 0.00002; gnomAD exomes 0.00002 and 0.00007; ExAC 0.00001; gnomAD 0.00001.

Submissions (2):

Ambry Genetics
Classification: Uncertain significance. Last evaluated: 2025-05-16. Review status: criteria provided, single submitter. Criteria: Ambry Variant Classification Scheme 2023. Collection method: clinical testing. Allele origin: germline.

Labcorp Genetics (formerly Invitae), Labcorp
Classification: Uncertain significance for Candidiasis, familial, 8. Last evaluated: 2021-08-31. Review status: criteria provided, single submitter. Criteria: Invitae Variant Classification Sherloc (09022015). Collection method: clinical testing. Allele origin: germline.
Comment: This sequence change replaces alanine with valine at codon 36 of the TRAF3IP2 protein (p.Ala36Val). The alanine residue is moderately conserved and there is a small physicochemical difference between alanine and valine. This variant is present in population databases (rs769663442, ExAC 0.001%). This variant has not been reported in the literature in individuals affected with TRAF3IP2-related conditions. Algorithms developed to predict the effect of missense changes on protein structure and function output the following: SIFT: "Tolerated"; PolyPhen-2: "Benign"; Align-GVGD: "Class C0". The valine amino acid residue is found in multiple mammalian species, which suggests that this missense change does not adversely affect protein function. In summary, the available evidence is currently insufficient to determine the role of this variant in disease. Therefore, it has been classified as a Variant of Uncertain Significance.